The following is an entry in ClinVar:

ClinVar aggregate classification (germline): Likely benign. Review status: criteria provided, multiple submitters, no conflicts (2 of 4 stars). 4 submissions from 4 submitters: Likely benign (4). Last evaluated 2024-01-13.

Conditions:
Cardiomyopathy (CMYO). Also called: Cardiomyopathies. Identifiers: Orphanet 167848, MedGen C0878544, MONDO:0004994, HP:0001638. Inheritance: Various modes of inheritance.
Primary dilated cardiomyopathy (DCM). Also called: Dilated Cardiomyopathy. Identifiers: Orphanet 217604, MedGen C0007193, MeSH D002311, MONDO:0005021, HP:0001644. Inheritance: Various modes of inheritance.
Cardiovascular phenotype. Identifiers: MedGen CN230736.
Charcot-Marie-Tooth disease type 2. Also called: Charcot-Marie-Tooth type 2. Identifiers: Orphanet 64746, MedGen C0270914, MONDO:0018993.

Allele frequency attached by ClinVar (database versions not stated): TOPMed below 0.00001; gnomAD exomes below 0.00001.
gnomAD v4.1: 4 of 1,611,124 alleles (0.00025%); highest among the groups gnomAD compares: Admixed American, 0.005%; no homozygotes.

Submissions (4):

Labcorp Genetics (formerly Invitae), Labcorp
Classification: Likely benign for Charcot-Marie-Tooth disease type 2. Last evaluated: 2024-01-13. Review status: criteria provided, single submitter. Criteria: Invitae Variant Classification Sherloc (09022015). Collection method: clinical testing. Allele origin: germline.

All of Us Research Program, National Institutes of Health
Classification: Likely benign for Primary dilated cardiomyopathy. Last evaluated: 2023-12-18. Review status: criteria provided, single submitter. Criteria: ACMG Guidelines, 2015. Collection method: clinical testing. Allele origin: germline. Inheritance: Autosomal dominant inheritance. Observed: 2 variant alleles, 2 heterozygotes.
Comment: This study involves interpretation of variants in research participants for the purpose of population health screening. Participant phenotype was not available at the time of variant classification. Additional details can be found in publication PMID: 35346344, PMCID: PMC8962531

Color Diagnostics, LLC DBA Color Health
Classification: Likely benign for Cardiomyopathy. Last evaluated: 2022-10-14. Review status: criteria provided, single submitter. Criteria: ACMG Guidelines, 2015. Collection method: clinical testing. Allele origin: germline.

Ambry Genetics
Classification: Likely benign for Cardiovascular phenotype. Last evaluated: 2022-05-02. Review status: criteria provided, single submitter. Criteria: Ambry Variant Classification Scheme 2023. Collection method: clinical testing. Allele origin: germline.

NM_170707.4(LMNA):c.937-15C>T

Gene: LMNA (lamin A/C; plus strand). Cytogenetic location: 1q22.
Variant type: single nucleotide variant.
Coding change: c.937-15C>T on transcript NM_170707.4 (MANE Select); 15 bases into the intron before coding-DNA position 937, C replaced by T.
Molecular consequence: intron variant. On other transcripts: missense variant (4).
Genome position (GRCh38, 1-based): chr1:156,135,886, C>T. VCF-style: chr1-156135886-C-T. GRCh37 (hg19) VCF-style: chr1-156105677-C-T.
Other names: c.298C>T, p.Pro100Ser (NM_001406994.1, NM_001406999.1, NM_001407000.1 and 1 more transcripts); c.937-15C>T (NM_001282625.2, NM_001282626.2, NM_170708.4 and 1 more transcripts); c.601-15C>T (NM_001257374.3); c.694-15C>T (NM_001282624.2); short protein forms P100S.
Identifiers: ClinVar variation 1766722 (VCV001766722.10), dbSNP rs1412388757, ClinGen allele CA526468351.